The following is an entry in ClinVar:

ClinVar aggregate classification (germline): Uncertain significance (1 of 4 stars; one submission).

Conditions:
Inborn genetic diseases. Identifiers: MedGen C0950123, MeSH D030342.

Submission:

Ambry Genetics
Classification: Uncertain significance for Inborn genetic diseases. Last evaluated: 2025-03-12. Review status: criteria provided, single submitter. Criteria: Ambry Variant Classification Scheme 2023. Collection method: clinical testing. Allele origin: germline.
Comment: The c.2816_2818delCCT (p.S939del) alteration, located in coding exon 15 of the ADGRL1 gene, results from an in-frame 3 nucleotide deletion at nucleotide positions c.2816 to c.2818. This results in the deletion of a serine residue at codon 939. This variant was not reported in population-based cohorts in the Genome Aggregation Database (gnomAD). This amino acid position is well conserved in available vertebrate species. This alteration is predicted to be deleterious by in silico analysis (Choi, 2012). Based on insufficient or conflicting evidence, the clinical significance of this alteration remains unclear.

NM_014921.5(ADGRL1):c.2801_2803del (p.Ser934del)

Genes: ADGRL1 (adhesion G protein-coupled receptor L1; minus strand), ADGRL1-AS1 (ADGRL1 antisense RNA 1; plus strand). Cytogenetic location: 19p13.12.
Variant type: Deletion.
Coding change: c.2801_2803del on transcript NM_014921.5 (MANE Select); coding-DNA positions 2801 to 2803, 3 bases deleted (CCT; older notation c.2801_2803delCCT).
Protein change: p.Ser934del; deletes serine 934.
Molecular consequence: inframe deletion.
Genome position (GRCh38, 1-based): chr19:14,157,088-14,157,090, AGG deleted on the plus strand (CCT on the coding strand, the reverse complement: ADGRL1 is on the minus strand); deleting any 3 consecutive bases within chr19:14,157,088-14,157,092 gives the same sequence; the c. name uses the placement nearest the transcript's 3' end. VCF-style (leftmost placement, unchanged base first): chr19-14157087-CAGG-C. GRCh37 (hg19) VCF-style: chr19-14267899-CAGG-C.
Other names: c.2816_2818del, p.Ser939del (NM_001008701.3); short protein forms S934del, S939del.
Identifiers: ClinVar variation 3837162 (VCV003837162.1).